The following is an entry in ClinVar:

NM_000170.3(GLDC):c.953A>G (p.Gln318Arg)

Gene: GLDC (glycine decarboxylase; minus strand). Cytogenetic location: 9p24.1.
Variant type: single nucleotide variant.
Coding change: c.953A>G on transcript NM_000170.3 (MANE Select); coding-DNA position 953, A replaced by G.
Protein change: p.Gln318Arg; replaces glutamine 318 with arginine.
Molecular consequence: missense variant.
Genome position (GRCh38, 1-based): chr9:6,604,693, T>C on the plus strand (A>G on the coding strand, the complement: GLDC is on the minus strand). VCF-style: chr9-6604693-T-C. GRCh37 (hg19) VCF-style: chr9-6604693-T-C.
Other names: short protein forms Q318R.
Identifiers: ClinVar variation 1717192 (VCV001717192.6), dbSNP rs2489103100, ClinGen allele CA372895685.
Genomic context (GRCh38, chr9:6,604,693, plus strand): 5'-TCTCGGACAGCAAAAAATGCTGCATGGGGTCCCCCATAGCCCAGTGGCACTCCAAATCTC[T>C]GGGAGCTGCCCAGGGCGATGTCTACCCCAAATTCTCCAGGTGGCCTCAAGATGCACAAAG-3'
Protein context (NP_000161.2, residues 308-328): FGVDIALGSS[Gln318Arg]RFGVPLGYGG

ClinVar aggregate classification (germline): Uncertain significance (1 of 4 stars; one submission).

Conditions:
Glycine encephalopathy. Also called: Non-ketotic hyperglycinemia; Nonketotic hyperglycinemia. Identifiers: Orphanet 407, MedGen C0751748, MONDO:0011612, HP:0008288.

Submission:

Labcorp Genetics (formerly Invitae), Labcorp
Classification: Uncertain significance for Glycine encephalopathy. Last evaluated: 2022-08-20. Review status: criteria provided, single submitter. Criteria: Invitae Variant Classification Sherloc (09022015). Collection method: clinical testing. Allele origin: germline.
Comment: In summary, the available evidence is currently insufficient to determine the role of this variant in disease. Therefore, it has been classified as a Variant of Uncertain Significance. Advanced modeling of protein sequence and biophysical properties (such as structural, functional, and spatial information, amino acid conservation, physicochemical variation, residue mobility, and thermodynamic stability) performed at Invitae indicates that this missense variant is expected to disrupt GLDC protein function. This variant has not been reported in the literature in individuals affected with GLDC-related conditions. This variant is not present in population databases (gnomAD no frequency). This sequence change replaces glutamine, which is neutral and polar, with arginine, which is basic and polar, at codon 318 of the GLDC protein (p.Gln318Arg).